The following is an entry in ClinVar:

NM_198060.4(NRAP):c.2245-8C>T

Gene: NRAP (nebulin related anchoring protein; minus strand). Cytogenetic location: 10q25.3.
Variant type: single nucleotide variant.
Coding change: c.2245-8C>T on transcript NM_198060.4 (MANE Select); 8 bases into the intron before coding-DNA position 2245, C replaced by T.
Molecular consequence: intron variant.
Genome position (GRCh38, 1-based): chr10:113,624,938, G>A on the plus strand (C>T on the coding strand, the complement: NRAP is on the minus strand). VCF-style: chr10-113624938-G-A. GRCh37 (hg19) VCF-style: chr10-115384697-G-A.
Other names: c.2140-8C>T (NM_006175.5); c.2245-8C>T (NM_001322945.2, NM_001261463.2).
Identifiers: ClinVar variation 3895168 (VCV003895168.1), dbSNP rs766878770.

ClinVar aggregate classification (germline): Likely benign (1 of 4 stars; one submission).

gnomAD v4.1: 189 of 1,594,144 alleles (0.012%); highest among the groups gnomAD compares: Admixed American, 0.0083%; no homozygotes.

Submission:

Molecular Diagnostic Laboratory for Inherited Cardiovascular Disease, Montreal Heart Institute
Classification: Likely benign. Last evaluated: 2025-04-09. Review status: criteria provided, single submitter. Criteria: ACMG Guidelines, 2015. Collection method: clinical testing. Allele origin: germline. Affected: no.
Comment: BP5